The following is an entry in ClinVar:

NM_212482.4(FN1):c.2923T>C (p.Phe975Leu)

Gene: FN1 (fibronectin 1; minus strand). Cytogenetic location: 2q35.
Variant type: single nucleotide variant.
Coding change: c.2923T>C on transcript NM_212482.4 (MANE Select); coding-DNA position 2923, T replaced by C.
Protein change: p.Phe975Leu; replaces phenylalanine 975 with leucine.
Molecular consequence: missense variant.
Genome position (GRCh38, 1-based): chr2:215,406,301, A>G on the plus strand (T>C on the coding strand, the complement: FN1 is on the minus strand). VCF-style: chr2-215406301-A-G. GRCh37 (hg19) VCF-style: chr2-216271024-A-G.
Other names: c.2923T>C, p.Phe975Leu (NM_001306129.2, NM_001306130.2, NM_001306131.2 and 13 more transcripts); short protein forms F975L.
Identifiers: ClinVar variation 3701162 (VCV003701162.2).

ClinVar aggregate classification (germline): Uncertain significance (1 of 4 stars; one submission).

gnomAD v4.1: 2 of 1,614,192 alleles (0.00012%); highest among the groups gnomAD compares: Non-Finnish European, 0.00017%; no homozygotes.

Submission:

Labcorp Genetics (formerly Invitae), Labcorp
Classification: Uncertain significance. Last evaluated: 2024-06-28. Review status: criteria provided, single submitter. Criteria: Invitae Variant Classification Sherloc (09022015). Collection method: clinical testing. Allele origin: germline.
Comment: This sequence change replaces phenylalanine, which is neutral and non-polar, with leucine, which is neutral and non-polar, at codon 975 of the FN1 protein (p.Phe975Leu). This variant is present in population databases (no rsID available, gnomAD 0.0009%). This variant has not been reported in the literature in individuals affected with FN1-related conditions. Advanced modeling of protein sequence and biophysical properties (such as structural, functional, and spatial information, amino acid conservation, physicochemical variation, residue mobility, and thermodynamic stability) performed at Invitae indicates that this missense variant is expected to disrupt FN1 protein function with a positive predictive value of 80%. In summary, the available evidence is currently insufficient to determine the role of this variant in disease. Therefore, it has been classified as a Variant of Uncertain Significance.